The following is an entry in ClinVar:

ClinVar aggregate classification (germline): Uncertain significance (1 of 4 stars; one submission).

Conditions:
Cardiovascular phenotype. Identifiers: MedGen CN230736.

Submission:

Ambry Genetics
Classification: Uncertain significance for Cardiovascular phenotype. Last evaluated: 2025-07-28. Review status: criteria provided, single submitter. Criteria: Ambry Variant Classification Scheme 2023. Collection method: clinical testing. Allele origin: germline.
Comment: The p.H54R variant (also known as c.161A>G), located in coding exon 1 of the TECRL gene, results from an A to G substitution at nucleotide position 161. The histidine at codon 54 is replaced by arginine, an amino acid with highly similar properties. This amino acid position is well conserved in available vertebrate species; however, arginine is the reference amino acid in other vertebrate species. In addition, this alteration is predicted to be tolerated by in silico analysis. Since supporting evidence is limited at this time, the clinical significance of this alteration remains unclear.

NM_001010874.5(TECRL):c.161A>G (p.His54Arg)

Gene: TECRL (trans-2,3-enoyl-CoA reductase like; minus strand). Cytogenetic location: 4q13.1.
Variant type: single nucleotide variant.
Coding change: c.161A>G on transcript NM_001010874.5 (MANE Select); coding-DNA position 161, A replaced by G.
Protein change: p.His54Arg; replaces histidine 54 with arginine.
Molecular consequence: missense variant.
Genome position (GRCh38, 1-based): chr4:64,409,191, T>C on the plus strand (A>G on the coding strand, the complement: TECRL is on the minus strand). VCF-style: chr4-64409191-T-C. GRCh37 (hg19) VCF-style: chr4-65274909-T-C.
Other names: c.161A>G, p.His54Arg (NM_001363796.1); short protein forms H54R.
Identifiers: ClinVar variation 1776563 (VCV001776563.3), dbSNP rs768151844, ClinGen allele CA357149026.